The following is an entry in ClinVar:

ClinVar aggregate classification (germline): Uncertain significance (1 of 4 stars; one submission).

gnomAD v4.1: 17 of 1,613,484 alleles (0.0011%); highest among the groups gnomAD compares: Admixed American, 0.0017%; no homozygotes.

Submission:

Labcorp Genetics (formerly Invitae), Labcorp
Classification: Uncertain significance. Last evaluated: 2025-09-01. Review status: criteria provided, single submitter. Criteria: Invitae Variant Classification Sherloc (09022015). Collection method: clinical testing. Allele origin: germline.
Comment: This sequence change replaces serine, which is neutral and polar, with tyrosine, which is neutral and polar, at codon 239 of the ANLN protein (p.Ser239Tyr). This variant is not present in population databases (gnomAD no frequency). This variant has not been reported in the literature in individuals affected with ANLN-related conditions. Invitae Evidence Modeling of protein sequence and biophysical properties (such as structural, functional, and spatial information, amino acid conservation, physicochemical variation, residue mobility, and thermodynamic stability) indicates that this missense variant is expected to disrupt ANLN protein function with a positive predictive value of 80%. In summary, the available evidence is currently insufficient to determine the role of this variant in disease. Therefore, it has been classified as a Variant of Uncertain Significance.

NM_018685.5(ANLN):c.716C>A (p.Ser239Tyr)

Gene: ANLN (anillin, actin binding protein; plus strand). Cytogenetic location: 7p14.2.
Variant type: single nucleotide variant.
Coding change: c.716C>A on transcript NM_018685.5 (MANE Select); coding-DNA position 716, C replaced by A.
Protein change: p.Ser239Tyr; replaces serine 239 with tyrosine.
Molecular consequence: missense variant.
Genome position (GRCh38, 1-based): chr7:36,406,409, C>A. VCF-style: chr7-36406409-C-A. GRCh37 (hg19) VCF-style: chr7-36446018-C-A.
Other names: c.716C>A, p.Ser239Tyr (NM_001284301.3, NM_001284302.3); short protein forms S239Y.
Identifiers: ClinVar variation 4798466 (VCV004798466.1).